The following is an entry in ClinVar:

NM_001243177.4(ALDOA):c.128_131del (p.Thr43fs)

Genes: ALDOA (aldolase, fructose-bisphosphate A; plus strand), LOC112694756 (uncharaterized LOC112694756; plus strand). Cytogenetic location: 16p11.2.
Variant type: Microsatellite.
Coding change: c.128_131del on transcript NM_001243177.4 (MANE Select); coding-DNA positions 128 to 131, 4 bases deleted (CAGA; older notation c.128_131delCAGA).
Protein change: p.Thr43fs; shifts the reading frame from threonine 43.
Molecular consequence: frameshift variant. On other transcripts: intron variant (6).
Genome position (GRCh38, 1-based): chr16:30,067,025-30,067,028, CAGA deleted; deleting any 4 consecutive bases within chr16:30,067,021-30,067,028 gives the same sequence; the c. name uses the placement nearest the transcript's 3' end. VCF-style (leftmost placement, unchanged base first): chr16-30067020-CCAGA-C. GRCh37 (hg19) VCF-style: chr16-30078341-CCAGA-C.
Other names: c.*489-209_*489-206del (NM_001365307.2, NM_001365305.2, NM_001365304.2); c.-21-209_-21-206del (NM_184043.2, NM_001127617.2, NM_184041.5); short protein forms T43fs.
Identifiers: ClinVar variation 4884077 (VCV004884077.2).
Genomic context (GRCh38, chr16:30,067,020, plus strand): 5'-CTTTTCCTTTCCCCCAGTTGCCAGTGGGCAACTCCACCCTCAGCTGGGCAACACCCAGCA[CCAGA>C]CAGAGTTAGGAAAGGTACAGGGGCAGGCCTAGCAAAGGGAAGTTGGGCGTAAGAGAGAGC-3'

ClinVar aggregate classification (germline): Uncertain significance (1 of 4 stars; one submission).

Conditions:
HNSHA due to aldolase A deficiency (GSD12). Also called: GLYCOGEN STORAGE DISEASE XII; GSD XII; RED CELL ALDOLASE DEFICIENCY; Glycogen storage disease due to aldolase A deficiency. Identifiers: Orphanet 57, MedGen C0272066, MONDO:0012747, OMIM 611881.

Submission:

Dasa
Classification: Uncertain significance for glycogen storage disease due to aldolase A deficiency. Last evaluated: 2025-07-07. Review status: criteria provided, single submitter. Criteria: DASA Assertion Criteria. Collection method: clinical testing. Allele origin: germline.
Comment: NM_001243177.4(ALDOA):c.128_131del (p.Thr43Serfs*2) is a frameshift variant in ALDOA predicted to alter the reading frame and introduce a premature termination codon. This variant is rare in population databases. The currently available literature and clinical evidence are not sufficient to establish a definitive association between this variant and the reported condition. Therefore, this variant is classified as a variant of uncertain significance.